The following is an entry in ClinVar:

ClinVar aggregate classification (germline): Uncertain significance (1 of 4 stars; one submission).

gnomAD v4.1: 4 of 1,613,960 alleles (0.00025%); highest among the groups gnomAD compares: African/African-American, 0.0027%; no homozygotes.

Submission:

Labcorp Genetics (formerly Invitae), Labcorp
Classification: Uncertain significance. Last evaluated: 2024-06-02. Review status: criteria provided, single submitter. Criteria: Invitae Variant Classification Sherloc (09022015). Collection method: clinical testing. Allele origin: germline.
Comment: This sequence change replaces threonine, which is neutral and polar, with isoleucine, which is neutral and non-polar, at codon 3246 of the LRP2 protein (p.Thr3246Ile). This variant is not present in population databases (gnomAD no frequency). This variant has not been reported in the literature in individuals affected with LRP2-related conditions. Advanced modeling of protein sequence and biophysical properties (such as structural, functional, and spatial information, amino acid conservation, physicochemical variation, residue mobility, and thermodynamic stability) performed at Invitae indicates that this missense variant is not expected to disrupt LRP2 protein function with a negative predictive value of 80%. In summary, the available evidence is currently insufficient to determine the role of this variant in disease. Therefore, it has been classified as a Variant of Uncertain Significance.

NM_004525.3(LRP2):c.9737C>T (p.Thr3246Ile)

Gene: LRP2 (LDL receptor related protein 2; minus strand). Cytogenetic location: 2q31.1.
Variant type: single nucleotide variant.
Coding change: c.9737C>T on transcript NM_004525.3 (MANE Select); coding-DNA position 9737, C replaced by T.
Protein change: p.Thr3246Ile; replaces threonine 3246 with isoleucine.
Molecular consequence: missense variant.
Genome position (GRCh38, 1-based): chr2:169,185,611, G>A on the plus strand (C>T on the coding strand, the complement: LRP2 is on the minus strand). VCF-style: chr2-169185611-G-A. GRCh37 (hg19) VCF-style: chr2-170042121-G-A.
Other names: short protein forms T3246I.
Identifiers: ClinVar variation 3700408 (VCV003700408.2).
Genomic context (GRCh38, chr2:169,185,611, plus strand): 5'-TTTATGATTGTCTCCTTGTTTGTCTTATTCAGAAACATTCTCTCAATGACTTGCCTCTGT[G>A]TATCAATCCAATACAATCTCTTCTCTACTCGGTCAAAATCTAATGCCACAACATTGTCCA-3'
Protein context (NP_004516.2, residues 3236-3256): RVEKRLYWID[Thr3246Ile]QRQVIERMFL